The following is an entry in ClinVar:

NM_006121.4(KRT1):c.591+1G>T

Gene: KRT1 (keratin 1; minus strand). Cytogenetic location: 12q13.13.
Variant type: single nucleotide variant.
Coding change: c.591+1G>T on transcript NM_006121.4 (MANE Select); the canonical splice donor site of the intron after coding-DNA position 591, G replaced by T.
Molecular consequence: splice donor variant.
Genome position (GRCh38, 1-based): chr12:52,679,757, C>A on the plus strand (G>T on the coding strand, the complement: KRT1 is on the minus strand). VCF-style: chr12-52679757-C-A. GRCh37 (hg19) VCF-style: chr12-53073541-C-A.
Identifiers: ClinVar variation 451394 (VCV000451394.6), dbSNP rs267607422, ClinGen allele CA384974626.

ClinVar aggregate classification (germline): Pathogenic (1 of 4 stars; one submission).

Submission:

GeneDx
Classification: Pathogenic. Last evaluated: 2023-08-25. Review status: criteria provided, single submitter. Criteria: GeneDx Variant Classification Process June 2021. Collection method: clinical testing. Allele origin: germline. Affected: yes.
Comment: Has not been previously published as pathogenic or benign to our knowledge; Canonical splice variant that disrupts the exon 1 donor site and is expected to alter gene splicing affecting the highly conserved helix initiation motif of the alpha-helical rod domain, which is intolerant to change; alterations within this motif interfere with proper keratin intermediate filament assembly and function, resulting in skin fragility and/or hyperkeratosis (Arin 2011; Chamcheu 2011; Mirza 2015); Other variants affecting the same (c.591+1G>A; c.591+1G>C) and nearby (c.591+2 T>A) canonical splice site positions have been reported in the published literature in association with KRT1-related disorders (HGMD); mRNA and in vitro splicing studies for some of these other variants demonstrate a deletion of a critical portion of the protein involving the H1/1A helix initiation motif (Virtanen et al., 1999; Terron-Kwiatkowski et al., 2002); Not observed at significant frequency in large population cohorts (gnomAD); This variant is associated with the following publications: (PMID: 21176769, 21271994, 26176760, AnnualMeeting[Abstracts]1999, 12406346)